The following is an entry in ClinVar:

NM_000094.4(COL7A1):c.7001T>A (p.Leu2334Gln)

Gene: COL7A1 (collagen type VII alpha 1 chain; minus strand). Cytogenetic location: 3p21.31.
Variant type: single nucleotide variant.
Coding change: c.7001T>A on transcript NM_000094.4 (MANE Select); coding-DNA position 7001, T replaced by A.
Protein change: p.Leu2334Gln; replaces leucine 2334 with glutamine.
Molecular consequence: missense variant.
Genome position (GRCh38, 1-based): chr3:48,572,149, A>T on the plus strand (T>A on the coding strand, the complement: COL7A1 is on the minus strand). VCF-style: chr3-48572149-A-T. GRCh37 (hg19) VCF-style: chr3-48609582-A-T.
Other names: short protein forms L2334Q.
Identifiers: ClinVar variation 2158952 (VCV002158952.2), dbSNP rs2530896362, ClinGen allele CA352652382.

ClinVar aggregate classification (germline): Uncertain significance. Review status: criteria provided, multiple submitters, no conflicts (2 of 4 stars). 2 submissions from 2 submitters: Uncertain significance (2). Last evaluated 2025-02-19.

Submissions (2):

Women's Health and Genetics/Laboratory Corporation of America, LabCorp
Classification: Uncertain significance. Last evaluated: 2025-02-19. Review status: criteria provided, single submitter. Criteria: LabCorp Variant Classification Summary - May 2015. Collection method: clinical testing. Allele origin: germline.

Labcorp Genetics (formerly Invitae), Labcorp
Classification: Uncertain significance. Last evaluated: 2022-07-18. Review status: criteria provided, single submitter. Criteria: Invitae Variant Classification Sherloc (09022015). Collection method: clinical testing. Allele origin: germline.
Comment: This sequence change replaces leucine, which is neutral and non-polar, with glutamine, which is neutral and polar, at codon 2334 of the COL7A1 protein (p.Leu2334Gln). This variant is not present in population databases (gnomAD no frequency). This variant has not been reported in the literature in individuals affected with COL7A1-related conditions. Algorithms developed to predict the effect of missense changes on protein structure and function (SIFT, PolyPhen-2, Align-GVGD) all suggest that this variant is likely to be disruptive. In summary, the available evidence is currently insufficient to determine the role of this variant in disease. Therefore, it has been classified as a Variant of Uncertain Significance.